The following is an entry in ClinVar:

ClinVar aggregate classification (germline): Uncertain significance (1 of 4 stars; one submission).

Submission:

Labcorp Genetics (formerly Invitae), Labcorp
Classification: Uncertain significance. Last evaluated: 2025-06-10. Review status: criteria provided, single submitter. Criteria: Invitae Variant Classification Sherloc (09022015). Collection method: clinical testing. Allele origin: germline.
Comment: This variant, c.1597_1599del, results in the deletion of 1 amino acid(s) of the FBN3 protein (p.Asn533del), but otherwise preserves the integrity of the reading frame. This variant is present in population databases (rs777117951, gnomAD 0.2%), and has an allele count higher than expected for a pathogenic variant. This variant has not been reported in the literature in individuals affected with FBN3-related conditions. Experimental studies and prediction algorithms are not available or were not evaluated, and the functional significance of this variant is currently unknown. In summary, the available evidence is currently insufficient to determine the role of this variant in disease. Therefore, it has been classified as a Variant of Uncertain Significance.

NM_032447.5(FBN3):c.1597_1599del (p.Asn533del)

Gene: FBN3 (fibrillin 3; minus strand). Cytogenetic location: 19p13.2.
Variant type: Deletion.
Coding change: c.1597_1599del on transcript NM_032447.5 (MANE Select); coding-DNA positions 1597 to 1599, 3 bases deleted (AAC; older notation c.1597_1599delAAC).
Protein change: p.Asn533del; deletes asparagine 533.
Molecular consequence: inframe deletion.
Genome position (GRCh38, 1-based): chr19:8,133,099-8,133,101, GTT deleted on the plus strand (AAC on the coding strand, the reverse complement: FBN3 is on the minus strand); deleting any 3 consecutive bases within chr19:8,133,099-8,133,103 gives the same sequence; the c. name uses the placement nearest the transcript's 3' end. VCF-style (leftmost placement, unchanged base first): chr19-8133098-CGTT-C. GRCh37 (hg19) VCF-style: chr19-8197982-CGTT-C.
Other names: c.1597_1599del, p.Asn533del (NM_001321431.2); short protein forms N533del.
Identifiers: ClinVar variation 4754884 (VCV004754884.1).